The following is an entry in ClinVar:

ClinVar aggregate classification (germline): Pathogenic/Likely pathogenic. Review status: criteria provided, multiple submitters, no conflicts (2 of 4 stars). 4 submissions from 4 submitters: Pathogenic (3); Likely pathogenic (1). Last evaluated 2025-04-23.

Conditions:
Ear malformation. Also called: CUP EAR; Abnormality of the ear. Identifiers: MedGen C0266589, MONDO:0007500, OMIM 128600, HP:0000598.
TPRN-related disorder. Also called: TPRN-related condition.

Submissions (4):

PreventionGenetics, part of Exact Sciences
Classification: Pathogenic for TPRN-related condition. Last evaluated: 2025-04-23. Review status: criteria provided, single submitter. Criteria: ACMG Guidelines, 2015. Collection method: clinical testing. Allele origin: germline.
Comment: The TPRN c.225_235dup11 variant is predicted to result in a frameshift and premature protein termination (p.Leu79Argfs*375). This variant has been reported in the homozygous state in an individual with hearing loss (Table S2, Abolhassani et al. 2024. PubMed ID: 38374194). This variant is reported in 0.0077% of alleles in individuals of European (non-Finnish) descent in gnomAD. Frameshift variants in TPRN are expected to be pathogenic. This variant is interpreted as pathogenic.

Labcorp Genetics (formerly Invitae), Labcorp
Classification: Pathogenic. Last evaluated: 2025-04-08. Review status: criteria provided, single submitter. Criteria: Invitae Variant Classification Sherloc (09022015). Collection method: clinical testing. Allele origin: germline.
Comment: This sequence change creates a premature translational stop signal (p.Leu79Argfs*375) in the TPRN gene. It is expected to result in an absent or disrupted protein product. Loss-of-function variants in TPRN are known to be pathogenic (PMID: 20170898, 20170899). The frequency data for this variant in the population databases is considered unreliable, as metrics indicate poor data quality at this position in the gnomAD database. This variant has not been reported in the literature in individuals affected with TPRN-related conditions. ClinVar contains an entry for this variant (Variation ID: 1180831). For these reasons, this variant has been classified as Pathogenic.

GeneDx
Classification: Pathogenic. Last evaluated: 2024-10-03. Review status: criteria provided, single submitter. Criteria: GeneDx Variant Classification Process June 2021. Collection method: clinical testing. Allele origin: germline.
Comment: Frameshift variant predicted to result in protein truncation or nonsense mediated decay in a gene for which loss of function is a known mechanism of disease; Not observed at significant frequency in large population cohorts (gnomAD); This variant is associated with the following publications: (PMID: 38374194)

Kariminejad - Najmabadi Pathology & Genetics Center
Classification: Likely pathogenic for Ear malformation. Last evaluated: 2021-07-10. Review status: criteria provided, single submitter. Criteria: ACMG Guidelines, 2015. Collection method: clinical testing. Allele origin: germline. Affected: yes.

Literature cited by the submitters: PubMed 20170898 (cited by Labcorp Genetics (formerly Invitae), Labcorp); PubMed 20170899 (cited by Labcorp Genetics (formerly Invitae), Labcorp).

NM_001128228.3(TPRN):c.225_235dup (p.Leu79fs)

Gene: TPRN (taperin; minus strand). Cytogenetic location: 9q34.3.
Variant type: Microsatellite.
Coding change: c.225_235dup on transcript NM_001128228.3 (MANE Select); coding-DNA positions 225 to 235, 11 bases duplicated (GGGGGCGCGGC).
Protein change: p.Leu79fs; shifts the reading frame from leucine 79.
Molecular consequence: frameshift variant.
Genome position (GRCh38, 1-based): chr9:137,200,477-137,200,487, GCCGCGCCCCC duplicated on the plus strand (GGGGGCGCGGC on the coding strand, the reverse complement: TPRN is on the minus strand); duplicating any 11 consecutive bases within chr9:137,200,477-137,200,506 gives the same sequence; the c. name uses the placement nearest the transcript's 3' end. VCF-style (leftmost placement, unchanged base first): chr9-137200476-A-AGCCGCGCCCCC. GRCh37 (hg19) VCF-style: chr9-140094928-A-AGCCGCGCCCCC.
Other names: c.225_235dup (NM_001128228.2); c.225_235dup11 (NM_001128228.2); c.225_235dupGGGGGCGCGGC (NM_001128228.3); short protein forms L79fs.
Identifiers: ClinVar variation 1180831 (VCV001180831.9), dbSNP rs387906221, ClinGen allele CA591373063.